The following is an entry in ClinVar:

NM_001429.4(EP300):c.5486G>C (p.Arg1829Pro)

Gene: EP300 (EP300 lysine acetyltransferase; plus strand). Cytogenetic location: 22q13.2.
Variant type: single nucleotide variant.
Coding change: c.5486G>C on transcript NM_001429.4 (MANE Select); coding-DNA position 5486, G replaced by C.
Protein change: p.Arg1829Pro; replaces arginine 1829 with proline.
Molecular consequence: missense variant.
Genome position (GRCh38, 1-based): chr22:41,177,197, G>C. VCF-style: chr22-41177197-G-C. GRCh37 (hg19) VCF-style: chr22-41573201-G-C.
Other names: c.5408G>C, p.Arg1803Pro (NM_001362843.2); short protein forms R1803P, R1829P.
Identifiers: ClinVar variation 1320268 (VCV001320268.1), dbSNP rs2145516079, ClinGen allele CA411709086.

ClinVar aggregate classification (germline): Likely pathogenic (1 of 4 stars; one submission).

Conditions:
Rubinstein-Taybi syndrome due to EP300 haploinsufficiency. Also called: RUBINSTEIN-TAYBI SYNDROME 2; EP300-Related Rubinstein-Taybi Syndrome. Identifiers: Orphanet 353284, Orphanet 783, MedGen C3150941, MONDO:0013364, OMIM 613684.

Submission:

3billion
Classification: Likely pathogenic for Rubinstein-Taybi syndrome due to EP300 haploinsufficiency. Last evaluated: 2021-10-02. Review status: criteria provided, single submitter. Criteria: ACMG Guidelines, 2015. Collection method: clinical testing. Allele origin: germline. Affected: yes. Observed: 1 heterozygote.
Comment: The missense variant is located in a mutational hot spot and/or well-established functional domain in which established pathogenic variants have been reported (PM1). It is not observed in the gnomAD v2.1.1 dataset (PM2). The variant was observed as assumed (i.e. paternity and maternity not confirmed) de novoo (3billion dataset, PM6). In silico tool predictions suggest damaging effect of the variant on gene or gene product (REVEL: 0.71, 3Cnet: 0.905, PP3). Patient's phenotype is considered compatible with Rubinstein-Taybi Syndrome 2 (3billion dataset, PP4). Therefore, this variant is classified likely pathogenic according to the recommendation of ACMG/AMP guideline.